The following is an entry in ClinVar:

NM_001271.4(CHD2):c.2876+1G>T

Gene: CHD2 (chromodomain helicase DNA binding protein 2; plus strand). Cytogenetic location: 15q26.1.
Variant type: single nucleotide variant.
Coding change: c.2876+1G>T on transcript NM_001271.4 (MANE Select); the canonical splice donor site of the intron after coding-DNA position 2876, G replaced by T.
Molecular consequence: splice donor variant.
Genome position (GRCh38, 1-based): chr15:92,979,284, G>T. VCF-style: chr15-92979284-G-T. GRCh37 (hg19) VCF-style: chr15-93522514-G-T.
Identifiers: ClinVar variation 2020117 (VCV002020117.4), dbSNP rs2505545691, ClinGen allele CA393894337.

ClinVar aggregate classification (germline): Likely pathogenic (1 of 4 stars; one submission).

Conditions:
Developmental and epileptic encephalopathy 94 (DEE94). Also called: Epileptic encephalopathy, childhood-onset; CHD2-Related Neurodevelopmental Disorders. Identifiers: Orphanet 1942, Orphanet 2382, MedGen C3809278, MONDO:0014150, OMIM 615369.

Submission:

Labcorp Genetics (formerly Invitae), Labcorp
Classification: Likely pathogenic for Developmental and epileptic encephalopathy 94. Last evaluated: 2022-07-29. Review status: criteria provided, single submitter. Criteria: Invitae Variant Classification Sherloc (09022015). Collection method: clinical testing. Allele origin: germline.
Comment: This sequence change affects a donor splice site in intron 22 of the CHD2 gene. It is expected to disrupt RNA splicing. Variants that disrupt the donor or acceptor splice site typically lead to a loss of protein function (PMID: 16199547), and loss-of-function variants in CHD2 are known to be pathogenic (PMID: 23708187, 24207121). This variant is not present in population databases (gnomAD no frequency). Disruption of this splice site has been observed in individual(s) with clinical features of CHD2-related conditions (PMID: 31031587). Algorithms developed to predict the effect of sequence changes on RNA splicing suggest that this variant may disrupt the consensus splice site. In summary, the currently available evidence indicates that the variant is pathogenic, but additional data are needed to prove that conclusively. Therefore, this variant has been classified as Likely Pathogenic.

Literature cited by the submitters: PubMed 16199547; PubMed 23708187; PubMed 24207121; PubMed 31031587.